The following is an entry in ClinVar:

NM_016938.5(EFEMP2):c.931G>A (p.Asp311Asn)

Gene: EFEMP2 (EGF-like fibulin extracellular matrix protein 2; minus strand). Cytogenetic location: 11q13.1.
Variant type: single nucleotide variant.
Coding change: c.931G>A on transcript NM_016938.5 (MANE Select); coding-DNA position 931, G replaced by A.
Protein change: p.Asp311Asn; replaces aspartic acid 311 with asparagine.
Molecular consequence: missense variant. On other transcripts: non-coding transcript variant (1).
Genome position (GRCh38, 1-based): chr11:65,868,338, C>T on the plus strand (G>A on the coding strand, the complement: EFEMP2 is on the minus strand). VCF-style: chr11-65868338-C-T. GRCh37 (hg19) VCF-style: chr11-65635809-C-T.
Other names: short protein forms D311N.
Identifiers: ClinVar variation 1493902 (VCV001493902.5), dbSNP rs758052109, ClinGen allele CA6110483.

ClinVar aggregate classification (germline): Uncertain significance (1 of 4 stars; one submission).

Conditions:
Cutis laxa, autosomal recessive, type 1B (ARCL1B). Also called: EFEMP2-Related Cutis Laxa; CUTIS LAXA, AUTOSOMAL RECESSIVE, TYPE IB. Identifiers: Orphanet 90349, MedGen C3280798, MONDO:0013754, OMIM 614437. Disease mechanism: loss of function.

gnomAD v4.1: 4 of 1,613,890 alleles (0.00025%); highest among the groups gnomAD compares: Non-Finnish European, 0.00034%; no homozygotes.

Submission:

Labcorp Genetics (formerly Invitae), Labcorp
Classification: Uncertain significance for Cutis laxa, autosomal recessive, type 1B. Last evaluated: 2021-09-24. Review status: criteria provided, single submitter. Criteria: Invitae Variant Classification Sherloc (09022015). Collection method: clinical testing. Allele origin: germline.
Comment: This sequence change replaces aspartic acid with asparagine at codon 311 of the EFEMP2 protein (p.Asp311Asn). The aspartic acid residue is highly conserved and there is a small physicochemical difference between aspartic acid and asparagine. This variant is present in population databases (rs758052109, ExAC 0.002%). This variant has not been reported in the literature in individuals with EFEMP2-related conditions. Algorithms developed to predict the effect of missense changes on protein structure and function are either unavailable or do not agree on the potential impact of this missense change (SIFT: "Deleterious"; PolyPhen-2: "Benign"; Align-GVGD: "Class C15"). In summary, the available evidence is currently insufficient to determine the role of this variant in disease. Therefore, it has been classified as a Variant of Uncertain Significance.